The following is an entry in ClinVar:

NM_001013838.3(CARMIL2):c.108G>C (p.Glu36Asp)

Gene: CARMIL2 (capping protein regulator and myosin 1 linker 2; plus strand). Cytogenetic location: 16q22.1.
Variant type: single nucleotide variant.
Coding change: c.108G>C on transcript NM_001013838.3 (MANE Select); coding-DNA position 108, G replaced by C.
Protein change: p.Glu36Asp; replaces glutamic acid 36 with aspartic acid.
Molecular consequence: missense variant.
Genome position (GRCh38, 1-based): chr16:67,645,607, G>C. VCF-style: chr16-67645607-G-C. GRCh37 (hg19) VCF-style: chr16-67679510-G-C.
Other names: c.108G>C, p.Glu36Asp (NM_001317026.3); short protein forms E36D.
Identifiers: ClinVar variation 3018222 (VCV003018222.3), dbSNP rs1241863699, ClinGen allele CA396329169.

ClinVar aggregate classification (germline): Uncertain significance (1 of 4 stars; one submission).

Allele frequency attached by ClinVar (database versions not stated): gnomAD exomes below 0.00001; gnomAD 0.00001.
gnomAD v4.1: 5 of 1,613,460 alleles (0.00031%); highest among the groups gnomAD compares: Non-Finnish European, 0.00042%; no homozygotes.

Submission:

Labcorp Genetics (formerly Invitae), Labcorp
Classification: Uncertain significance. Last evaluated: 2023-10-13. Review status: criteria provided, single submitter. Criteria: Invitae Variant Classification Sherloc (09022015). Collection method: clinical testing. Allele origin: germline.
Comment: This sequence change replaces glutamic acid, which is acidic and polar, with aspartic acid, which is acidic and polar, at codon 36 of the CARMIL2 protein (p.Glu36Asp). This variant is present in population databases (no rsID available, gnomAD 0.002%). This variant has not been reported in the literature in individuals affected with CARMIL2-related conditions. Advanced modeling of protein sequence and biophysical properties (such as structural, functional, and spatial information, amino acid conservation, physicochemical variation, residue mobility, and thermodynamic stability) performed at Invitae indicates that this missense variant is not expected to disrupt CARMIL2 protein function. Algorithms developed to predict the effect of sequence changes on RNA splicing suggest that this variant may disrupt the consensus splice site. In summary, the available evidence is currently insufficient to determine the role of this variant in disease. Therefore, it has been classified as a Variant of Uncertain Significance.